The following is an entry in ClinVar:

NM_203447.4(DOCK8):c.4910C>A (p.Ser1637Tyr)

Gene: DOCK8 (dedicator of cytokinesis 8; plus strand). Cytogenetic location: 9p24.3.
Variant type: single nucleotide variant.
Coding change: c.4910C>A on transcript NM_203447.4 (MANE Select); coding-DNA position 4910, C replaced by A.
Protein change: p.Ser1637Tyr; replaces serine 1637 with tyrosine.
Molecular consequence: missense variant.
Genome position (GRCh38, 1-based): chr9:434,806, C>A. VCF-style: chr9-434806-C-A. GRCh37 (hg19) VCF-style: chr9-434806-C-A.
Other names: c.4610C>A, p.Ser1537Tyr (NM_001190458.2); c.4706C>A, p.Ser1569Tyr (NM_001193536.2); short protein forms S1637Y, S1537Y, S1569Y.
Identifiers: ClinVar variation 4740632 (VCV004740632.1).

ClinVar aggregate classification (germline): Uncertain significance (1 of 4 stars; one submission).

Conditions:
Combined immunodeficiency due to DOCK8 deficiency (HIES2). Also called: HYPER-IgE SYNDROME 2, AUTOSOMAL RECESSIVE, WITH RECURRENT INFECTIONS; DOCK8 Deficiency; HIES autosomal recessive; Hyper-IgE recurrent infection syndrome, autosomal recessive; HYPER-IgE RECURRENT INFECTION SYNDROME 2, AUTOSOMAL RECESSIVE. Identifiers: Orphanet 217390, MedGen C4722305, MONDO:0009478, OMIM 243700.

Submission:

Labcorp Genetics (formerly Invitae), Labcorp
Classification: Uncertain significance for Combined immunodeficiency due to DOCK8 deficiency. Last evaluated: 2025-07-27. Review status: criteria provided, single submitter. Criteria: Invitae Variant Classification Sherloc (09022015). Collection method: clinical testing. Allele origin: germline.
Comment: This sequence change replaces serine, which is neutral and polar, with tyrosine, which is neutral and polar, at codon 1637 of the DOCK8 protein (p.Ser1637Tyr). This variant is not present in population databases (gnomAD no frequency). This variant has not been reported in the literature in individuals affected with DOCK8-related conditions. Invitae Evidence Modeling of protein sequence and biophysical properties (such as structural, functional, and spatial information, amino acid conservation, physicochemical variation, residue mobility, and thermodynamic stability) indicates that this missense variant is expected to disrupt DOCK8 protein function with a positive predictive value of 80%. In summary, the available evidence is currently insufficient to determine the role of this variant in disease. Therefore, it has been classified as a Variant of Uncertain Significance.